The following is an entry in ClinVar:

ClinVar aggregate classification (germline): Uncertain significance (1 of 4 stars; one submission).

Submission:

Ambry Genetics
Classification: Uncertain significance. Last evaluated: 2026-07-01. Review status: criteria provided, single submitter. Criteria: Ambry Variant Classification Scheme 2023. Collection method: clinical testing. Allele origin: germline.
Comment: The p.A33T variant (also known as c.97G>A), located in coding exon 1 of the MC1R gene, results from a G to A substitution at nucleotide position 97. The alanine at codon 33 is replaced by threonine, an amino acid with similar properties. This amino acid position is conserved. In addition, this alteration is predicted to be tolerated by in silico analysis. Based on the available evidence, the clinical significance of this variant remains unclear.

NM_002386.4(MC1R):c.97G>A (p.Ala33Thr)

Gene: MC1R (melanocortin 1 receptor; plus strand). Cytogenetic location: 16q24.3.
Variant type: single nucleotide variant.
Coding change: c.97G>A on transcript NM_002386.4 (MANE Select); coding-DNA position 97, G replaced by A.
Protein change: p.Ala33Thr; replaces alanine 33 with threonine.
Molecular consequence: missense variant.
Genome position (GRCh38, 1-based): chr16:89,919,355, G>A. VCF-style: chr16-89919355-G-A. GRCh37 (hg19) VCF-style: chr16-89985763-G-A.
Other names: short protein forms A33T.
Identifiers: ClinVar variation 5024066 (VCV005024066.1).